The following is an entry in ClinVar:

ClinVar aggregate classification (germline): Benign. Review status: criteria provided, multiple submitters, no conflicts (2 of 4 stars). 5 submissions from 5 submitters: Benign (4). 1 of the submissions does not count toward it. Last evaluated 2026-01-27.

Conditions:
BICC1-related disorder. Also called: BICC1-related condition.

Allele frequency attached by ClinVar (database versions not stated): gnomAD exomes 0.00209 and 0.00495; ExAC 0.00582; gnomAD 0.01788 and 0.01909; ESP Exome Variant Server 0.01999; 1000 Genomes Project 0.02057; TOPMed 0.02128; 1000 Genomes Project 30x 0.02233.
gnomAD v4.1: 5,913 of 1,613,790 alleles (0.37%); highest among the groups gnomAD compares: African/African-American, 6.2%; 161 homozygotes.

Submissions (5):

Labcorp Genetics (formerly Invitae), Labcorp
Classification: Benign. Last evaluated: 2026-01-27. Review status: criteria provided, single submitter. Criteria: Invitae Variant Classification Sherloc (09022015). Collection method: clinical testing. Allele origin: germline.

Mayo Clinic Laboratories, Mayo Clinic
Classification: Benign. Last evaluated: 2023-03-26. Review status: criteria provided, single submitter. Criteria: ACMG Guidelines, 2015. Collection method: clinical testing. Allele origin: germline. Observed: 6 variant alleles.

GeneDx
Classification: Benign. Last evaluated: 2020-07-23. Review status: criteria provided, single submitter. Criteria: GeneDx Variant Classification Process June 2021. Collection method: clinical testing. Allele origin: germline. Affected: yes.

Breakthrough Genomics
Classification: Benign. Review status: criteria provided, single submitter. Criteria: ACMG Guidelines, 2015. Collection method: not provided. Allele origin: germline. Inheritance: Autosomal dominant inheritance. Affected: yes.

PreventionGenetics, part of Exact Sciences
Classification: Benign for BICC1-related condition. Last evaluated: 2019-03-22. Review status: no assertion criteria provided. Collection method: clinical testing. Allele origin: germline. Not counted in ClinVar's aggregate classification.
Comment: This variant is classified as benign based on ACMG/AMP sequence variant interpretation guidelines (Richards et al. 2015 PMID: 25741868, with internal and published modifications).

NM_001080512.3(BICC1):c.2834A>G (p.Asn945Ser)

Gene: BICC1 (BicC family RNA binding protein 1; plus strand). Cytogenetic location: 10q21.1.
Variant type: single nucleotide variant.
Coding change: c.2834A>G on transcript NM_001080512.3 (MANE Select); coding-DNA position 2834, A replaced by G.
Protein change: p.Asn945Ser; replaces asparagine 945 with serine.
Molecular consequence: missense variant.
Genome position (GRCh38, 1-based): chr10:58,828,800, A>G. VCF-style: chr10-58828800-A-G. GRCh37 (hg19) VCF-style: chr10-60588560-A-G.
Other names: p.Asn945Ser; short protein forms N945S.
Identifiers: ClinVar variation 785318 (VCV000785318.16), dbSNP rs7895817, ClinGen allele CA5508930.
Genomic context (GRCh38, chr10:58,828,800, plus strand): 5'-ATTCTCTCTTTCTCTCTCTAGAACTAAATAAAAACCGAAGAAAGCTTTTTGAATCGCCAA[A>G]TGCACGCACCTCTTTCCTGGAAGGTGGAGCGAGTGGAAGGCTACCCCGTCAGTATCACTC-3'
Protein context (NP_001073981.1, residues 935-955): KNRRKLFESP[Asn945Ser]ARTSFLEGGA